The following is an entry in ClinVar:

ClinVar aggregate classification (germline): Uncertain significance (0 of 4 stars; one submission).

Conditions:
IFT172-related disorder. Also called: IFT172-related disorders; IFT172-related condition.

Submission:

PreventionGenetics, part of Exact Sciences
Classification: Uncertain significance for IFT172-related condition. Last evaluated: 2024-08-22. Review status: no assertion criteria provided. Collection method: clinical testing. Allele origin: germline.
Comment: The IFT172 c.47C>G variant is predicted to result in the amino acid substitution p.Ala16Gly. To our knowledge, this variant has not been reported in the literature or in a large population database, indicating this variant is rare. At this time, the clinical significance of this variant is uncertain due to the absence of conclusive functional and genetic evidence.

NM_015662.3(IFT172):c.47C>G (p.Ala16Gly)

Gene: IFT172 (intraflagellar transport 172; minus strand). Cytogenetic location: 2p23.3.
Variant type: single nucleotide variant.
Coding change: c.47C>G on transcript NM_015662.3 (MANE Select); coding-DNA position 47, C replaced by G.
Protein change: p.Ala16Gly; replaces alanine 16 with glycine.
Molecular consequence: missense variant.
Genome position (GRCh38, 1-based): chr2:27,485,496, G>C on the plus strand (C>G on the coding strand, the complement: IFT172 is on the minus strand). VCF-style: chr2-27485496-G-C. GRCh37 (hg19) VCF-style: chr2-27708363-G-C.
Other names: c.47C>G, p.Ala16Gly (NM_001410739.1); short protein forms A16G.
Identifiers: ClinVar variation 3357013 (VCV003357013.1).
Genomic context (GRCh38, chr2:27,485,496, plus strand): 5'-ACTGTGCAGACAGCAAATTTGGCATTGTTCTGGGACCAAGCCATGCAGGTCACCTTTGCA[G>C]CTCCATCCTGTAGAGGCAAAGGGGTAAAAACAAACCCATGTGCTGGTCTAGAATGCCAAA-3'
Protein context (NP_056477.1, residues 6-26): LRTLLSPQDG[Ala16Gly]AKVTCMAWSQ